The following is an entry in ClinVar:

NM_006031.6(PCNT):c.3564G>T (p.Gly1188=)

Gene: PCNT (pericentrin; plus strand). Cytogenetic location: 21q22.3.
Variant type: single nucleotide variant.
Coding change: c.3564G>T on transcript NM_006031.6 (MANE Select); coding-DNA position 3564, G replaced by T.
Protein change: p.Gly1188=; no amino-acid change (glycine 1188 retained).
Molecular consequence: synonymous variant.
Genome position (GRCh38, 1-based): chr21:46,388,841, G>T. VCF-style: chr21-46388841-G-T. GRCh37 (hg19) VCF-style: chr21-47808756-G-T.
Other names: c.3210G>T, p.Gly1070= (NM_001315529.2).
Identifiers: ClinVar variation 436249 (VCV000436249.7), dbSNP rs1555973364, ClinGen allele CA512737989.

ClinVar aggregate classification (germline): Conflicting classifications of pathogenicity. Review status: criteria provided, conflicting classifications (1 of 4 stars). 2 submissions from 2 submitters: Uncertain significance (1); Likely benign (1). Last evaluated 2025-01-29.

Conditions:
PCNT-related disorder. Also called: PCNT-related condition.

Allele frequency attached by ClinVar (database versions not stated): TOPMed below 0.00001.

Submissions (2):

PreventionGenetics, part of Exact Sciences
Classification: Likely benign for PCNT-related condition. Last evaluated: 2025-01-29. Review status: criteria provided, single submitter. Criteria: ACMG Guidelines, 2015. Collection method: clinical testing. Allele origin: germline.
Comment: This variant is classified as likely benign based on ACMG/AMP sequence variant interpretation guidelines (Richards et al. 2015 PMID: 25741868, with internal and published modifications).

Genetic Services Laboratory, University of Chicago
Classification: Uncertain significance. Last evaluated: 2017-04-26. Review status: criteria provided, single submitter. Criteria: ACMG Guidelines, 2015. Collection method: clinical testing. Allele origin: germline. Affected: no.